The following is an entry in ClinVar:

ClinVar aggregate classification (germline): Pathogenic (1 of 4 stars; one submission).

Conditions:
Myoclonic dystonia 11 (DYT11). Also called: Myoclonic dystonia; Dystonia 11; Dystonia, alcohol responsive; Hereditary essential myoclonus; SGCE Myoclonus-Dystonia; Myoclonus-Dystonia. Identifiers: Orphanet 36899, MedGen C1834570, MONDO:0008044, OMIM 159900.

Submission:

Labcorp Genetics (formerly Invitae), Labcorp
Classification: Pathogenic for Myoclonic dystonia 11. Last evaluated: 2021-02-13. Review status: criteria provided, single submitter. Criteria: Invitae Variant Classification Sherloc (09022015). Collection method: clinical testing. Allele origin: germline.
Comment: For these reasons, this variant has been classified as Pathogenic. Disruption of this splice site has been observed in individual(s) with clinical features of myoclonus dystonia (PMID: 23365103, Invitae). This variant is not present in population databases (ExAC no frequency). This sequence change affects a donor splice site in intron 4 of the SGCE gene. It is expected to disrupt RNA splicing. Variants that disrupt the donor or acceptor splice site typically lead to a loss of protein function (PMID: 16199547), and loss-of-function variants in SGCE are known to be pathogenic (PMID: 12821748, 15389977, 17853490, 24297365).

Literature cited by the submitters: PubMed 23365103; PubMed 16199547; PubMed 12821748; PubMed 15389977; PubMed 17853490; PubMed 24297365.

NM_003919.3(SGCE):c.463+2T>A

Genes: CASD1 (CAS1 domain sialic acid O acetyltransferase 1; plus strand), SGCE (sarcoglycan epsilon; minus strand). Cytogenetic location: 7q21.3.
Variant type: single nucleotide variant.
Coding change: c.463+2T>A on transcript NM_003919.3 (MANE Select); the canonical splice donor site of the intron after coding-DNA position 463, T replaced by A.
Molecular consequence: splice donor variant.
Genome position (GRCh38, 1-based): chr7:94,623,323, A>T on the plus strand (T>A on the coding strand, the complement: SGCE is on the minus strand). VCF-style: chr7-94623323-A-T. GRCh37 (hg19) VCF-style: chr7-94252635-A-T.
Other names: c.340+2T>A (NM_001362809.2, NM_001301139.2); c.463+2T>A (NM_001346717.2, NM_001099400.2, NM_001099401.2); c.571+2T>A (NM_001346715.2, NM_001346713.2); c.376+2T>A (NM_001362807.2, NM_001346719.2); c.190+2T>A (NM_001362808.2, NM_001346720.2).
Identifiers: ClinVar variation 1426795 (VCV001426795.8), dbSNP rs2116917821, ClinGen allele CA368236574.